The following is an entry in ClinVar:

ClinVar aggregate classification (germline): Uncertain significance (1 of 4 stars; one submission).

Conditions:
Hereditary spastic paraplegia 47. Also called: CEREBRAL PALSY, SPASTIC QUADRIPLEGIC, 5; adaptor protein 4 (AP-4) deficiency syndrome; Spastic paraplegia 47, autosomal recessive. Identifiers: Orphanet 280763, MedGen C3279738, MONDO:0013551, OMIM 614066.

Allele frequency attached by ClinVar (database versions not stated): gnomAD exomes 0.00001.
gnomAD v4.1: 1 of 1,613,604 alleles (0.000062%); highest among the groups gnomAD compares: Admixed American, 0.0017%; no homozygotes.

Submission:

Labcorp Genetics (formerly Invitae), Labcorp
Classification: Uncertain significance for Hereditary spastic paraplegia 47. Last evaluated: 2024-05-20. Review status: criteria provided, single submitter. Criteria: Invitae Variant Classification Sherloc (09022015). Collection method: clinical testing. Allele origin: germline.
Comment: This sequence change falls in intron 5 of the AP4B1 gene. It does not directly change the encoded amino acid sequence of the AP4B1 protein. It affects a nucleotide within the consensus splice site. This variant is present in population databases (no rsID available, gnomAD 0.006%). This variant has not been reported in the literature in individuals affected with AP4B1-related conditions. ClinVar contains an entry for this variant (Variation ID: 1370541). Variants that disrupt the consensus splice site are a relatively common cause of aberrant splicing (PMID: 17576681, 9536098). Algorithms developed to predict the effect of sequence changes on RNA splicing suggest that this variant is not likely to affect RNA splicing. In summary, the available evidence is currently insufficient to determine the role of this variant in disease. Therefore, it has been classified as a Variant of Uncertain Significance.

Literature cited by the submitters: PubMed 17576681; PubMed 9536098.

NM_001253852.3(AP4B1):c.618-3T>C

Genes: AP4B1 (adaptor related protein complex 4 subunit beta 1; minus strand), AP4B1-AS1 (AP4B1 antisense RNA 1; plus strand). Cytogenetic location: 1p13.2.
Variant type: single nucleotide variant.
Coding change: c.618-3T>C on transcript NM_001253852.3 (MANE Select); 3 bases into the intron before coding-DNA position 618, T replaced by C.
Molecular consequence: intron variant. On other transcripts: non-coding transcript variant (2).
Genome position (GRCh38, 1-based): chr1:113,900,403, A>G on the plus strand (T>C on the coding strand, the complement: AP4B1 is on the minus strand). VCF-style: chr1-113900403-A-G. GRCh37 (hg19) VCF-style: chr1-114443025-A-G.
Other names: c.321-3T>C (NM_001253853.3); c.618-3T>C (NM_006594.5); c.114-3T>C (NM_001308312.2).
Identifiers: ClinVar variation 1370541 (VCV001370541.6), dbSNP rs755780191, ClinGen allele CA419703471.